The following is an entry in ClinVar:

ClinVar aggregate classification (germline): Uncertain significance (1 of 4 stars; one submission).

Conditions:
Neuropathy, hereditary sensory, type 2C. Also called: KIF1A-Related HSAN2 (HSAN2C); Hereditary sensory and autonomic neuropathy type IIC. Identifiers: Orphanet 970, MedGen C3280168, MONDO:0013634, OMIM 614213.
Hereditary spastic paraplegia 30. Identifiers: Orphanet 101010, MedGen C5235139, MONDO:0012476.
Intellectual disability, autosomal dominant 9 (NESCAVS). Also called: NESCAV SYNDROME; KIF1A-Related Neurodevelopmental Disorder. Identifiers: Orphanet 662367, MedGen C5393830, MONDO:0013656, OMIM 614255.

Submission:

Labcorp Genetics (formerly Invitae), Labcorp
Classification: Uncertain significance for Hereditary spastic paraplegia 30; Neuropathy, hereditary sensory, type 2C; Intellectual disability, autosomal dominant 9. Last evaluated: 2022-12-04. Review status: criteria provided, single submitter. Criteria: Invitae Variant Classification Sherloc (09022015). Collection method: clinical testing. Allele origin: germline.
Comment: This variant has not been reported in the literature in individuals affected with KIF1A-related conditions. This variant is not present in population databases (gnomAD no frequency). This sequence change replaces lysine, which is basic and polar, with glutamic acid, which is acidic and polar, at codon 296 of the KIF1A protein (p.Lys296Glu). Advanced modeling of protein sequence and biophysical properties (such as structural, functional, and spatial information, amino acid conservation, physicochemical variation, residue mobility, and thermodynamic stability) performed at Invitae indicates that this missense variant is expected to disrupt KIF1A protein function. In summary, the available evidence is currently insufficient to determine the role of this variant in disease. Therefore, it has been classified as a Variant of Uncertain Significance.

NM_001244008.2(KIF1A):c.886A>G (p.Lys296Glu)

Gene: KIF1A (kinesin family member 1A; minus strand). Cytogenetic location: 2q37.3.
Variant type: single nucleotide variant.
Coding change: c.886A>G on transcript NM_001244008.2 (MANE Select); coding-DNA position 886, A replaced by G.
Protein change: p.Lys296Glu; replaces lysine 296 with glutamic acid.
Molecular consequence: missense variant.
Genome position (GRCh38, 1-based): chr2:240,775,923, T>C on the plus strand (A>G on the coding strand, the complement: KIF1A is on the minus strand). VCF-style: chr2-240775923-T-C. GRCh37 (hg19) VCF-style: chr2-241715340-T-C.
Other names: c.886A>G, p.Lys296Glu (NM_001320705.2, NM_001330289.2, NM_001330290.2 and 21 more transcripts); short protein forms K296E.
Identifiers: ClinVar variation 2942058 (VCV002942058.3), dbSNP rs2537997003, ClinGen allele CA351297989.
Genomic context (GRCh38, chr2:240,775,923, plus strand): 5'-GGAGGAGCCAGGTCAACACGGAATCTCGGTACGGAATGAAATCTGTCTTCTTCTTTTTCT[T>C]GTTCTGTGGGGGAGGAACATTCAAGGTCAAGCCCGAGCCCACTGCAGAGGAAGCGAAAGG-3'
Protein context (NP_001230937.1, residues 286-306): AEMDSGPNKN[Lys296Glu]KKKKTDFIPY